The following is an entry in ClinVar:

NM_001378030.1(CCDC78):c.620G>C (p.Arg207Pro)

Gene: CCDC78 (coiled-coil domain containing 78; minus strand). Cytogenetic location: 16p13.3.
Variant type: single nucleotide variant.
Coding change: c.620G>C on transcript NM_001378030.1 (MANE Select); coding-DNA position 620, G replaced by C.
Protein change: p.Arg207Pro; replaces arginine 207 with proline.
Molecular consequence: missense variant. On other transcripts: non-coding transcript variant (5), intron variant (1).
Genome position (GRCh38, 1-based): chr16:724,930, C>G on the plus strand (G>C on the coding strand, the complement: CCDC78 is on the minus strand). VCF-style: chr16-724930-C-G. GRCh37 (hg19) VCF-style: chr16-774930-C-G.
Other names: c.620G>C, p.Arg207Pro (NM_001031737.3, NM_001378031.1); c.198+148G>C (NM_001378033.1); short protein forms R207P.
Identifiers: ClinVar variation 2003425 (VCV002003425.4), dbSNP rs368147684, ClinGen allele CA394101934.

ClinVar aggregate classification (germline): Uncertain significance (1 of 4 stars; one submission).

Conditions:
Congenital myopathy with internal nuclei and atypical cores. Also called: Myopathy, centronuclear, 4. Identifiers: Orphanet 319160, MedGen C4707232, MONDO:0013890, OMIM 614807.

Submission:

Labcorp Genetics (formerly Invitae), Labcorp
Classification: Uncertain significance for Congenital myopathy with internal nuclei and atypical cores. Last evaluated: 2025-03-03. Review status: criteria provided, single submitter. Criteria: Invitae Variant Classification Sherloc (09022015). Collection method: clinical testing. Allele origin: germline.
Comment: This sequence change replaces arginine, which is basic and polar, with proline, which is neutral and non-polar, at codon 207 of the CCDC78 protein (p.Arg207Pro). This variant is not present in population databases (gnomAD no frequency). This variant has not been reported in the literature in individuals affected with CCDC78-related conditions. ClinVar contains an entry for this variant (Variation ID: 2003425). Invitae Evidence Modeling of protein sequence and biophysical properties (such as structural, functional, and spatial information, amino acid conservation, physicochemical variation, residue mobility, and thermodynamic stability) indicates that this missense variant is not expected to disrupt CCDC78 protein function with a negative predictive value of 80%. In summary, the available evidence is currently insufficient to determine the role of this variant in disease. Therefore, it has been classified as a Variant of Uncertain Significance.